The following is an entry in ClinVar:

NM_002796.3(PSMB4):c.39G>C (p.Ala13=)

Gene: PSMB4 (proteasome 20S subunit beta 4; plus strand). Cytogenetic location: 1q21.3.
Variant type: single nucleotide variant.
Coding change: c.39G>C on transcript NM_002796.3 (MANE Select); coding-DNA position 39, G replaced by C.
Protein change: p.Ala13=; no amino-acid change (alanine 13 retained).
Molecular consequence: synonymous variant.
Genome position (GRCh38, 1-based): chr1:151,399,626, G>C. VCF-style: chr1-151399626-G-C. GRCh37 (hg19) VCF-style: chr1-151372102-G-C.
Identifiers: ClinVar variation 3686119 (VCV003686119.3).

ClinVar aggregate classification (germline): Likely benign. Review status: criteria provided, multiple submitters, no conflicts (2 of 4 stars). 2 submissions from 2 submitters: Likely benign (2). Last evaluated 2026-08-01.

gnomAD v4.1: 1 of 1,613,506 alleles (0.000062%); highest among the groups gnomAD compares: Non-Finnish European, 0.000085%; no homozygotes.

Submissions (2):

CeGaT Center for Human Genetics Tuebingen
Classification: Likely benign. Last evaluated: 2026-08-01. Review status: criteria provided, single submitter. Criteria: CeGaT Center For Human Genetics Tuebingen Variant Classification Criteria Version 2. Collection method: clinical testing. Allele origin: germline. Affected: yes. Observed: 1 variant allele.
Comment: PSMB4: BP4, BP7

Labcorp Genetics (formerly Invitae), Labcorp
Classification: Likely benign. Last evaluated: 2024-11-18. Review status: criteria provided, single submitter. Criteria: Invitae Variant Classification Sherloc (09022015). Collection method: clinical testing. Allele origin: germline.